The following is an entry in ClinVar:

NM_016247.4(IMPG2):c.2222C>A (p.Ala741Asp)

Gene: IMPG2 (interphotoreceptor matrix proteoglycan 2; minus strand). Cytogenetic location: 3q12.3.
Variant type: single nucleotide variant.
Coding change: c.2222C>A on transcript NM_016247.4 (MANE Select); coding-DNA position 2222, C replaced by A.
Protein change: p.Ala741Asp; replaces alanine 741 with aspartic acid.
Molecular consequence: missense variant.
Genome position (GRCh38, 1-based): chr3:101,244,109, G>T on the plus strand (C>A on the coding strand, the complement: IMPG2 is on the minus strand). VCF-style: chr3-101244109-G-T. GRCh37 (hg19) VCF-style: chr3-100962953-G-T.
Other names: short protein forms A741D.
Identifiers: ClinVar variation 955148 (VCV000955148.8), dbSNP rs748245517, ClinGen allele CA2519017.
Genomic context (GRCh38, chr3:101,244,109, plus strand): 5'-CTGTCAAACCATTCATAGTTGGATGACTCAGTAATTTGTTCCATATCCTCCCTTAGGATG[G>T]CATCTGCCTGATCTGATTTATCAGTAGAGGCAGAGATTGCTACAGATGTCAGTATAAGAG-3'
Protein context (NP_057331.2, residues 731-751): ASTDKSDQAD[Ala741Asp]ILREDMEQIT

ClinVar aggregate classification (germline): Uncertain significance. Review status: criteria provided, multiple submitters, no conflicts (2 of 4 stars). 2 submissions from 2 submitters: Uncertain significance (2). Last evaluated 2024-12-17.

Conditions:
Inborn genetic diseases. Identifiers: MedGen C0950123, MeSH D030342.

Allele frequency attached by ClinVar (database versions not stated): ExAC 0.00002; gnomAD exomes 0.00001.

Submissions (2):

Ambry Genetics
Classification: Uncertain significance for Inborn genetic diseases. Last evaluated: 2024-12-17. Review status: criteria provided, single submitter. Criteria: Ambry Variant Classification Scheme 2023. Collection method: clinical testing. Allele origin: germline.

Labcorp Genetics (formerly Invitae), Labcorp
Classification: Uncertain significance. Last evaluated: 2021-09-01. Review status: criteria provided, single submitter. Criteria: Invitae Variant Classification Sherloc (09022015). Collection method: clinical testing. Allele origin: germline.
Comment: This sequence change replaces alanine with aspartic acid at codon 741 of the IMPG2 protein (p.Ala741Asp). The alanine residue is weakly conserved and there is a moderate physicochemical difference between alanine and aspartic acid. This variant is present in population databases (rs748245517, ExAC 0.02%). This variant has not been reported in the literature in individuals affected with IMPG2-related conditions. Algorithms developed to predict the effect of missense changes on protein structure and function output the following: SIFT: "Tolerated"; PolyPhen-2: "Benign"; Align-GVGD: "Class C0". The aspartic acid amino acid residue is found in multiple mammalian species, which suggests that this missense change does not adversely affect protein function. In summary, the available evidence is currently insufficient to determine the role of this variant in disease. Therefore, it has been classified as a Variant of Uncertain Significance.